The following is an entry in ClinVar:

ClinVar aggregate classification (germline): Uncertain significance (1 of 4 stars; one submission).

Submission:

Ambry Genetics
Classification: Uncertain significance. Last evaluated: 2023-03-12. Review status: criteria provided, single submitter. Criteria: Ambry Variant Classification Scheme 2023. Collection method: clinical testing. Allele origin: germline.
Comment: The p.T69I variant (also known as c.206C>T), located in coding exon 1 of the EGLN2 gene, results from a C to T substitution at nucleotide position 206. The threonine at codon 69 is replaced by isoleucine, an amino acid with similar properties. This amino acid position is conserved. In addition, this alteration is predicted to be tolerated by in silico analysis. Since supporting evidence is limited at this time, the clinical significance of this alteration remains unclear.

NM_080732.4(EGLN2):c.206C>T (p.Thr69Ile)

Genes: EGLN2 (egl-9 family hypoxia inducible factor 2; plus strand), RAB4B-EGLN2 (RAB4B-EGLN2 readthrough (NMD candidate); plus strand). Cytogenetic location: 19q13.2.
Variant type: single nucleotide variant.
Coding change: c.206C>T on transcript NM_080732.4 (MANE Select); coding-DNA position 206, C replaced by T.
Protein change: p.Thr69Ile; replaces threonine 69 with isoleucine.
Molecular consequence: missense variant. On other transcripts: non-coding transcript variant (1).
Genome position (GRCh38, 1-based): chr19:40,800,778, C>T. VCF-style: chr19-40800778-C-T. GRCh37 (hg19) VCF-style: chr19-41306683-C-T.
Other names: c.206C>T, p.Thr69Ile (NM_053046.4); short protein forms T69I.
Identifiers: ClinVar variation 2451288 (VCV002451288.2), dbSNP rs774627250, ClinGen allele CA405954774.